The following is an entry in ClinVar:

ClinVar aggregate classification (germline): Conflicting classifications of pathogenicity. Review status: criteria provided, conflicting classifications (1 of 4 stars). 3 submissions from 3 submitters: Uncertain significance (2); Likely benign (1). Last evaluated 2025-10-21.

Conditions:
Noonan syndrome (NS). Also called: Noonan's syndrome. Identifiers: Orphanet 648, MedGen C0028326, MeSH D009634, MONDO:0018997. Disease mechanism: gain of function.

Allele frequency attached by ClinVar (database versions not stated): gnomAD 0.00004; gnomAD exomes 0.00004; ExAC 0.00005.

Submissions (3):

Labcorp Genetics (formerly Invitae), Labcorp
Classification: Uncertain significance for Noonan syndrome. Last evaluated: 2025-10-21. Review status: criteria provided, single submitter. Criteria: Invitae Variant Classification Sherloc (09022015). Collection method: clinical testing. Allele origin: germline.
Comment: This sequence change replaces glycine, which is neutral and non-polar, with serine, which is neutral and polar, at codon 161 of the RRAS protein (p.Gly161Ser). This variant is present in population databases (rs758697481, gnomAD 0.03%). This variant has not been reported in the literature in individuals affected with RRAS-related conditions. ClinVar contains an entry for this variant (Variation ID: 1396086). An algorithm developed to predict the effect of missense changes on protein structure and function outputs the following: PolyPhen-2: "Benign". The serine amino acid residue is found in multiple mammalian species, which suggests that this missense change does not adversely affect protein function. In summary, the available evidence is currently insufficient to determine the role of this variant in disease. Therefore, it has been classified as a Variant of Uncertain Significance.

Blueprint Genetics
Classification: Likely benign. Last evaluated: 2023-04-04. Review status: criteria provided, single submitter. Criteria: ACMG Guidelines, 2015. Collection method: clinical testing. Allele origin: germline.

Breakthrough Genomics
Classification: Uncertain significance. Review status: criteria provided, single submitter. Criteria: ACMG Guidelines, 2015. Collection method: not provided. Allele origin: germline. Inheritance: Autosomal dominant inheritance. Affected: yes.

NM_006270.5(RRAS):c.481G>A (p.Gly161Ser)

Gene: RRAS (RAS related; minus strand). Cytogenetic location: 19q13.33.
Variant type: single nucleotide variant.
Coding change: c.481G>A on transcript NM_006270.5 (MANE Select); coding-DNA position 481, G replaced by A.
Protein change: p.Gly161Ser; replaces glycine 161 with serine.
Molecular consequence: missense variant.
Genome position (GRCh38, 1-based): chr19:49,635,825, C>T on the plus strand (G>A on the coding strand, the complement: RRAS is on the minus strand). VCF-style: chr19-49635825-C-T. GRCh37 (hg19) VCF-style: chr19-50139082-C-T.
Other names: short protein forms G161S.
Identifiers: ClinVar variation 1396086 (VCV001396086.8), dbSNP rs758697481, ClinGen allele CA9578982.